The following is an entry in ClinVar:

ClinVar aggregate classification (germline): Uncertain significance. Review status: criteria provided, multiple submitters, no conflicts (2 of 4 stars). 2 submissions from 2 submitters: Uncertain significance (2). Last evaluated 2025-02-26.

Conditions:
Immunodeficiency 39 (IMD39). Identifiers: Orphanet 574918, MedGen C4225358, MONDO:0014597, OMIM 616345.

Allele frequency attached by ClinVar (database versions not stated): TOPMed 0.00001.

Submissions (2):

Ambry Genetics
Classification: Uncertain significance. Last evaluated: 2025-02-26. Review status: criteria provided, single submitter. Criteria: Ambry Variant Classification Scheme 2023. Collection method: clinical testing. Allele origin: germline.

Labcorp Genetics (formerly Invitae), Labcorp
Classification: Uncertain significance for Immunodeficiency 39. Last evaluated: 2023-10-23. Review status: criteria provided, single submitter. Criteria: Invitae Variant Classification Sherloc (09022015). Collection method: clinical testing. Allele origin: germline.
Comment: This sequence change replaces proline, which is neutral and non-polar, with serine, which is neutral and polar, at codon 416 of the IRF7 protein (p.Pro416Ser). This variant is not present in population databases (gnomAD no frequency). This variant has not been reported in the literature in individuals affected with IRF7-related conditions. Advanced modeling of protein sequence and biophysical properties (such as structural, functional, and spatial information, amino acid conservation, physicochemical variation, residue mobility, and thermodynamic stability) performed at Invitae indicates that this missense variant is not expected to disrupt IRF7 protein function. In summary, the available evidence is currently insufficient to determine the role of this variant in disease. Therefore, it has been classified as a Variant of Uncertain Significance.

NM_001572.5(IRF7):c.1207C>T (p.Pro403Ser)

Gene: IRF7 (interferon regulatory factor 7; minus strand). Cytogenetic location: 11p15.5.
Variant type: single nucleotide variant.
Coding change: c.1207C>T on transcript NM_001572.5 (MANE Select); coding-DNA position 1207, C replaced by T.
Protein change: p.Pro403Ser; replaces proline 403 with serine.
Molecular consequence: missense variant.
Genome position (GRCh38, 1-based): chr11:613,236, G>A on the plus strand (C>T on the coding strand, the complement: IRF7 is on the minus strand). VCF-style: chr11-613236-G-A. GRCh37 (hg19) VCF-style: chr11-613236-G-A.
Other names: c.1246C>T (NM_004031.2); c.1120C>T, p.Pro374Ser (NM_004029.4); c.1246C>T, p.Pro416Ser (NM_004031.4); short protein forms P416S, P374S, P403S.
Identifiers: ClinVar variation 2879500 (VCV002879500.4), dbSNP rs1856548155, ClinGen allele CA378978548.